The following is an entry in ClinVar:

ClinVar aggregate classification (germline): Uncertain significance. Review status: criteria provided, multiple submitters, no conflicts (2 of 4 stars). 2 submissions from 2 submitters: Uncertain significance (2). Last evaluated 2024-07-09.

Allele frequency attached by ClinVar (database versions not stated): gnomAD exomes 0.00009; gnomAD 0.00012; TOPMed 0.00014; 1000 Genomes Project 30x 0.00016; ExAC 0.00017; 1000 Genomes Project 0.00020.

Submissions (2):

Women's Health and Genetics/Laboratory Corporation of America, LabCorp
Classification: Uncertain significance. Last evaluated: 2024-07-09. Review status: criteria provided, single submitter. Criteria: LabCorp Variant Classification Summary - May 2015. Collection method: clinical testing. Allele origin: germline.
Comment: Variant summary: GH1 c.493T>C (p.Phe165Leu) results in a non-conservative amino acid change in the encoded protein sequence. Three of five in-silico tools predict a benign effect of the variant on protein function. The variant allele was found at a frequency of 0.0001 in 251174 control chromosomes. This frequency is not significantly higher than estimated for a pathogenic variant in GH1 causing Idiopathic Growth Hormone Deficiency (0.0001 vs 0.011), allowing no conclusion about variant significance. To our knowledge, no occurrence of c.493T>C in individuals affected with Idiopathic Growth Hormone Deficiency and no experimental evidence demonstrating its impact on protein function have been reported. ClinVar contains an entry for this variant (Variation ID: 2718665). Based on the evidence outlined above, the variant was classified as uncertain significance.

Labcorp Genetics (formerly Invitae), Labcorp
Classification: Uncertain significance. Last evaluated: 2023-10-29. Review status: criteria provided, single submitter. Criteria: Invitae Variant Classification Sherloc (09022015). Collection method: clinical testing. Allele origin: germline.
Comment: This sequence change replaces phenylalanine, which is neutral and non-polar, with leucine, which is neutral and non-polar, at codon 165 of the GH1 protein (p.Phe165Leu). This variant is present in population databases (rs138880244, gnomAD 0.05%). This variant has not been reported in the literature in individuals affected with GH1-related conditions. Algorithms developed to predict the effect of missense changes on protein structure and function output the following: SIFT: "Not Available"; PolyPhen-2: "Benign"; Align-GVGD: "Not Available". The leucine amino acid residue is found in multiple mammalian species, which suggests that this missense change does not adversely affect protein function. In summary, the available evidence is currently insufficient to determine the role of this variant in disease. Therefore, it has been classified as a Variant of Uncertain Significance.

NM_000515.5(GH1):c.493T>C (p.Phe165Leu)

Genes: GH-LCR (growth hormone locus control region; plus strand), GH1 (growth hormone 1; minus strand). Cytogenetic location: 17q23.3.
Variant type: single nucleotide variant.
Coding change: c.493T>C on transcript NM_000515.5 (MANE Select); coding-DNA position 493, T replaced by C.
Protein change: p.Phe165Leu; replaces phenylalanine 165 with leucine.
Molecular consequence: missense variant.
Genome position (GRCh38, 1-based): chr17:63,917,470, A>G on the plus strand (T>C on the coding strand, the complement: GH1 is on the minus strand). VCF-style: chr17-63917470-A-G. GRCh37 (hg19) VCF-style: chr17-61994830-A-G.
Other names: c.448T>C, p.Phe150Leu (NM_022559.4); c.373T>C, p.Phe125Leu (NM_022560.4); short protein forms F125L, F165L, F150L.
Identifiers: ClinVar variation 2718665 (VCV002718665.4), dbSNP rs138880244, ClinGen allele CA8708137.